The following is an entry in ClinVar:

ClinVar aggregate classification (germline): Uncertain significance. Review status: criteria provided, multiple submitters, no conflicts (2 of 4 stars). 3 submissions from 3 submitters: Uncertain significance (3). Last evaluated 2022-08-16.

Conditions:
Inborn genetic diseases. Identifiers: MedGen C0950123, MeSH D030342.

Allele frequency attached by ClinVar (database versions not stated): ExAC 0.00001; gnomAD exomes 0.00001; TOPMed 0.00001.
gnomAD v4.1: 11 of 1,614,036 alleles (0.00068%); highest among the groups gnomAD compares: South Asian, 0.0033%; no homozygotes.

Submissions (3):

Ambry Genetics
Classification: Uncertain significance for Inborn genetic diseases. Last evaluated: 2022-08-16. Review status: criteria provided, single submitter. Criteria: Ambry Variant Classification Scheme 2023. Collection method: clinical testing. Allele origin: germline.

Revvity Omics, Revvity
Classification: Uncertain significance. Last evaluated: 2022-04-23. Review status: criteria provided, single submitter. Criteria: ACMG Guidelines, 2015. Collection method: clinical testing. Allele origin: germline.

Labcorp Genetics (formerly Invitae), Labcorp
Classification: Uncertain significance. Last evaluated: 2022-02-02. Review status: criteria provided, single submitter. Criteria: Invitae Variant Classification Sherloc (09022015). Collection method: clinical testing. Allele origin: germline.
Comment: This variant has not been reported in the literature in individuals affected with FAT4-related conditions. In summary, the available evidence is currently insufficient to determine the role of this variant in disease. Therefore, it has been classified as a Variant of Uncertain Significance. Advanced modeling of protein sequence and biophysical properties (such as structural, functional, and spatial information, amino acid conservation, physicochemical variation, residue mobility, and thermodynamic stability) performed at Invitae indicates that this missense variant is not expected to disrupt FAT4 protein function. This variant is present in population databases (rs753001660, gnomAD 0.003%). This sequence change replaces valine, which is neutral and non-polar, with phenylalanine, which is neutral and non-polar, at codon 2142 of the FAT4 protein (p.Val2142Phe).

NM_001291303.3(FAT4):c.6424G>T (p.Val2142Phe)

Gene: FAT4 (FAT atypical cadherin 4; plus strand). Cytogenetic location: 4q28.1.
Variant type: single nucleotide variant.
Coding change: c.6424G>T on transcript NM_001291303.3 (MANE Select); coding-DNA position 6424, G replaced by T.
Protein change: p.Val2142Phe; replaces valine 2142 with phenylalanine.
Molecular consequence: missense variant.
Genome position (GRCh38, 1-based): chr4:125,415,387, G>T. VCF-style: chr4-125415387-G-T. GRCh37 (hg19) VCF-style: chr4-126336542-G-T.
Other names: c.6424G>T, p.Val2142Phe (NM_001291285.3, NM_024582.6); short protein forms V2142F.
Identifiers: ClinVar variation 1967399 (VCV001967399.9), dbSNP rs753001660, ClinGen allele CA3072913.